The following is an entry in ClinVar:

NM_003924.4(PHOX2B):c.517G>A (p.Gly173Ser)

Gene: PHOX2B (paired like homeobox 2B; minus strand). Cytogenetic location: 4p13.
Variant type: single nucleotide variant.
Coding change: c.517G>A on transcript NM_003924.4 (MANE Select); coding-DNA position 517, G replaced by A.
Protein change: p.Gly173Ser; replaces glycine 173 with serine.
Molecular consequence: missense variant.
Genome position (GRCh38, 1-based): chr4:41,746,235, C>T on the plus strand (G>A on the coding strand, the complement: PHOX2B is on the minus strand). VCF-style: chr4-41746235-C-T. GRCh37 (hg19) VCF-style: chr4-41748252-C-T.
Other names: short protein forms G173S.
Identifiers: ClinVar variation 1745847 (VCV001745847.3), dbSNP rs1733896104, ClinGen allele CA356738400.
Genomic context (GRCh38, chr4:41,746,235, plus strand): 5'-CCGGGTCAGTGCTCTTGGCCTCTTTGCTCTCGTCGTCCCTGGAAGAGTCAGACTTTTTGC[C>T]CGAGGAGCCGTTCTTGGCCGCGGCCGCTGCGGCTGCCGCTGCGCGCTCCTGCTTGCGAAA-3'
Protein context (NP_003915.2, residues 163-183): AAAAAKNGSS[Gly173Ser]KKSDSSRDDE

ClinVar aggregate classification (germline): Uncertain significance (1 of 4 stars; one submission).

Conditions:
Hereditary cancer-predisposing syndrome. Also called: Hereditary Cancer Syndrome; Neoplastic Syndromes, Hereditary; Tumor predisposition; Hereditary neoplastic syndrome. Identifiers: Orphanet 140162, MedGen C0027672, MeSH D009386, MONDO:0015356.

Submission:

Ambry Genetics
Classification: Uncertain significance for Hereditary cancer-predisposing syndrome. Last evaluated: 2025-07-18. Review status: criteria provided, single submitter. Criteria: Ambry Variant Classification Scheme 2023. Collection method: clinical testing. Allele origin: germline.
Comment: The p.G173S variant (also known as c.517G>A), located in coding exon 3 of the PHOX2B gene, results from a G to A substitution at nucleotide position 517. The glycine at codon 173 is replaced by serine, an amino acid with similar properties. This amino acid position is well conserved in available vertebrate species. In addition, the in silico prediction for this alteration is inconclusive. Based on the available evidence, the clinical significance of this variant remains unclear.